The following is an entry in ClinVar:

ClinVar aggregate classification (germline): Pathogenic (1 of 4 stars; one submission).

Conditions:
TH-deficient dopa-responsive dystonia. Also called: Tyrosine Hydroxylase-Deficient Dopa-Responsive Dystonia; Segawa syndrome, autosomal recessive; DYT-TH. Identifiers: Orphanet 101150, MedGen C2673535, MONDO:0011551, OMIM 605407.

gnomAD v4.1: 2 of 1,611,490 alleles (0.00012%); highest among the groups gnomAD compares: Non-Finnish European, 0.00017%; no homozygotes.

Submission:

Labcorp Genetics (formerly Invitae), Labcorp
Classification: Pathogenic for TH-deficient dopa-responsive dystonia. Last evaluated: 2025-04-01. Review status: criteria provided, single submitter. Criteria: Invitae Variant Classification Sherloc (09022015). Collection method: clinical testing. Allele origin: germline.
Comment: This sequence change creates a premature translational stop signal (p.Ser226*) in the TH gene. It is expected to result in an absent or disrupted protein product. Loss-of-function variants in TH are known to be pathogenic (PMID: 22264700, 24753243). This variant is not present in population databases (gnomAD no frequency). This variant has not been reported in the literature in individuals affected with TH-related conditions. ClinVar contains an entry for this variant (Variation ID: 1457222). For these reasons, this variant has been classified as Pathogenic.

Literature cited by the submitters: PubMed 22264700; PubMed 24753243.

NM_000360.4(TH):c.584C>A (p.Ser195Ter)

Gene: TH (tyrosine hydroxylase; minus strand). Cytogenetic location: 11p15.5.
Variant type: single nucleotide variant.
Coding change: c.584C>A on transcript NM_000360.4 (MANE Select); coding-DNA position 584, C replaced by A.
Protein change: p.Ser195Ter; replaces serine 195 with a stop codon.
Molecular consequence: nonsense.
Genome position (GRCh38, 1-based): chr11:2,167,926, G>T on the plus strand (C>A on the coding strand, the complement: TH is on the minus strand). VCF-style: chr11-2167926-G-T. GRCh37 (hg19) VCF-style: chr11-2189156-G-T.
Other names: c.677C>A, p.Ser226Ter (NM_199292.3); c.665C>A, p.Ser222Ter (NM_199293.3); short protein forms S195*, S222*, S226*.
Identifiers: ClinVar variation 1457222 (VCV001457222.6), dbSNP rs372409517, ClinGen allele CA379128221.